The following is an entry in ClinVar:

ClinVar aggregate classification (germline): Uncertain significance (1 of 4 stars; one submission).

Conditions:
Lymphoproliferative syndrome 2 (LPFS2). Also called: Combined immunodeficiency due to CD27 deficiency; CD27 DEFICIENCY. Identifiers: Orphanet 238505, MedGen C3554540, MONDO:0014054, OMIM 615122.

Allele frequency attached by ClinVar (database versions not stated): gnomAD 0.00001 and 0.00002; gnomAD exomes 0.00001 and 0.00002; ExAC 0.00002; TOPMed 0.00002; ESP Exome Variant Server 0.00008.

Submission:

Labcorp Genetics (formerly Invitae), Labcorp
Classification: Uncertain significance for Lymphoproliferative syndrome 2. Last evaluated: 2022-04-16. Review status: criteria provided, single submitter. Criteria: Invitae Variant Classification Sherloc (09022015). Collection method: clinical testing. Allele origin: germline.
Comment: This sequence change replaces arginine, which is basic and polar, with glycine, which is neutral and non-polar, at codon 238 of the CD27 protein (p.Arg238Gly). This variant is present in population databases (rs376329676, gnomAD 0.004%). This variant has not been reported in the literature in individuals affected with CD27-related conditions. ClinVar contains an entry for this variant (Variation ID: 662511). Algorithms developed to predict the effect of missense changes on protein structure and function are either unavailable or do not agree on the potential impact of this missense change (SIFT: "Deleterious"; PolyPhen-2: "Possibly Damaging"; Align-GVGD: "Class C0"). In summary, the available evidence is currently insufficient to determine the role of this variant in disease. Therefore, it has been classified as a Variant of Uncertain Significance.

NM_001242.5(CD27):c.712A>G (p.Arg238Gly)

Genes: CD27 (CD27 molecule; plus strand), CD27-AS1 (CD27 antisense RNA 1; minus strand). Cytogenetic location: 12p13.31.
Variant type: single nucleotide variant.
Coding change: c.712A>G on transcript NM_001242.5 (MANE Select); coding-DNA position 712, A replaced by G.
Protein change: p.Arg238Gly; replaces arginine 238 with glycine.
Molecular consequence: missense variant. On other transcripts: non-coding transcript variant (1).
Genome position (GRCh38, 1-based): chr12:6,451,321, A>G. VCF-style: chr12-6451321-A-G. GRCh37 (hg19) VCF-style: chr12-6560487-A-G.
Other names: short protein forms R238G.
Identifiers: ClinVar variation 662511 (VCV000662511.7), dbSNP rs376329676, ClinGen allele CA6407082.
Genomic context (GRCh38, chr12:6,451,321, plus strand): 5'-TCTGCAGACAAAGGAGAAAGTCCTGTGGAGCCTGCAGAGCCTTGTCATTACAGCTGCCCC[A>G]GGGAGGAGGAGGGCAGCACCATCCCCATCCAGGAGGATTACCGAAAACCGGAGCCTGCCT-3'
Protein context (NP_001233.2, residues 228-248): PAEPCHYSCP[Arg238Gly]EEEGSTIPIQ